The following is an entry in ClinVar:

NM_007294.4(BRCA1):c.4849G>T (p.Ala1617Ser)

Gene: BRCA1 (BRCA1 DNA repair associated; minus strand). Cytogenetic location: 17q21.31.
Variant type: single nucleotide variant.
Coding change: c.4849G>T on transcript NM_007294.4 (MANE Select); coding-DNA position 4849, G replaced by T.
Protein change: p.Ala1617Ser; replaces alanine 1617 with serine.
Molecular consequence: missense variant. On other transcripts: non-coding transcript variant (1).
Genome position (GRCh38, 1-based): chr17:43,071,065, C>A on the plus strand (G>T on the coding strand, the complement: BRCA1 is on the minus strand). VCF-style: chr17-43071065-C-A. GRCh37 (hg19) VCF-style: chr17-41223082-C-A.
Other names: c.4726G>T, p.Ala1576Ser (NM_001407665.1, NM_001407666.1, NM_001407667.1 and 6 more transcripts); c.1417G>T, p.Ala473Ser (NM_001408427.1, NM_001408428.1, NM_001408429.1 and 4 more transcripts); c.4723G>T, p.Ala1575Ser (NM_001407670.1, NM_001407671.1, NM_001407674.1 and 11 more transcripts); c.4636G>T, p.Ala1546Ser (NM_001407571.1, NM_001407894.1, NM_001407895.1 and 12 more transcripts); c.4915G>T, p.Ala1639Ser (NM_001407581.1, NM_001407582.1); c.4912G>T, p.Ala1638Ser (NM_001407583.1, NM_001407585.1, NM_001407587.1 and 1 more transcripts); c.4909G>T, p.Ala1637Ser (NM_001407590.1, NM_001407591.1); c.4849G>T, p.Ala1617Ser (NM_001407593.1, NM_001407594.1, NM_001407596.1 and 8 more transcripts); and 70 more; short protein forms A1320S, A1321S, A1448S, A1463S, A1488S, A1489S, A1490S, A1504S.
Identifiers: ClinVar variation 1721423 (VCV001721423.6), dbSNP rs2153831497, ClinGen allele CA10591826.

ClinVar aggregate classification (germline): Uncertain significance (1 of 4 stars; one submission).

Conditions:
Hereditary breast ovarian cancer syndrome. Also called: BRCA1- and BRCA2-Associated Hereditary Breast and Ovarian Cancer; Hereditary breast and ovarian cancer syndrome (HBOC); Hereditary breast and/or ovarian cancer syndrome; Hereditary breast and ovarian cancer syndrome; Hereditary breast and ovarian cancer; Breast and ovarian cancer. Identifiers: Orphanet 145, MedGen C0677776, MeSH D061325, MONDO:0003582. Disease mechanism: loss of function.

Submission:

Labcorp Genetics (formerly Invitae), Labcorp
Classification: Uncertain significance for Hereditary breast ovarian cancer syndrome. Last evaluated: 2022-12-09. Review status: criteria provided, single submitter. Criteria: Invitae Variant Classification Sherloc (09022015). Collection method: clinical testing. Allele origin: germline.
Comment: In summary, the available evidence is currently insufficient to determine the role of this variant in disease. Therefore, it has been classified as a Variant of Uncertain Significance. Advanced modeling of protein sequence and biophysical properties (such as structural, functional, and spatial information, amino acid conservation, physicochemical variation, residue mobility, and thermodynamic stability) performed at Invitae indicates that this missense variant is not expected to disrupt BRCA1 protein function. ClinVar contains an entry for this variant (Variation ID: 1721423). This variant has not been reported in the literature in individuals affected with BRCA1-related conditions. This variant is not present in population databases (gnomAD no frequency). This sequence change replaces alanine, which is neutral and non-polar, with serine, which is neutral and polar, at codon 1617 of the BRCA1 protein (p.Ala1617Ser).